The following is an entry in ClinVar:

NC_000001.11:g.(?_7969325)_(7969424_?)del

Gene: PARK7 (Parkinsonism associated deglycase; plus strand). Cytogenetic location: 1p36.23.
Variant type: Deletion.
Identifiers: ClinVar variation 584372 (VCV000584372.7).

ClinVar aggregate classification (germline): Pathogenic (1 of 4 stars; one submission).

Conditions:
Autosomal recessive early-onset Parkinson disease 7. Identifiers: Orphanet 2828, MedGen C1853445, MONDO:0011658, OMIM 606324.

Submission:

Labcorp Genetics (formerly Invitae), Labcorp
Classification: Pathogenic for Autosomal recessive early-onset Parkinson disease 7. Last evaluated: 2023-11-17. Review status: criteria provided, single submitter. Criteria: Invitae Variant Classification Sherloc (09022015). Collection method: clinical testing. Allele origin: germline.
Comment: This variant is a gross deletion of the genomic region encompassing exon(s) 4 of the PARK7 gene. This variant would be expected to be in-frame, preserving the integrity of the reading frame. A similar copy number variant has been observed in individual(s) with Parkinsonism (Invitae). In at least one individual the data is consistent with being in trans (on the opposite chromosome) from a pathogenic variant. Studies have shown that a similar copy number variant alters PARK7 gene expression (PMID: 31028127). For these reasons, this variant has been classified as Pathogenic.

Literature cited by the submitters: PubMed 31028127.